The following is an entry in ClinVar:

ClinVar aggregate classification (germline): Uncertain significance (1 of 4 stars; one submission).

Submission:

Ambry Genetics
Classification: Uncertain significance. Last evaluated: 2022-02-05. Review status: criteria provided, single submitter. Criteria: Ambry Variant Classification Scheme 2023. Collection method: clinical testing. Allele origin: germline.
Comment: The p.P195R variant (also known as c.584C>G), located in coding exon 3 of the GALNT12 gene, results from a C to G substitution at nucleotide position 584. The proline at codon 195 is replaced by arginine, an amino acid with dissimilar properties. This amino acid position is conserved. In addition, this alteration is predicted to be tolerated by in silico analysis. Since supporting evidence is limited at this time, the clinical significance of this alteration remains unclear.

NM_024642.5(GALNT12):c.584C>G (p.Pro195Arg)

Gene: GALNT12 (polypeptide N-acetylgalactosaminyltransferase 12; plus strand). Cytogenetic location: 9q22.33.
Variant type: single nucleotide variant.
Coding change: c.584C>G on transcript NM_024642.5 (MANE Select); coding-DNA position 584, C replaced by G.
Protein change: p.Pro195Arg; replaces proline 195 with arginine.
Molecular consequence: missense variant.
Genome position (GRCh38, 1-based): chr9:98,826,794, C>G. VCF-style: chr9-98826794-C-G. GRCh37 (hg19) VCF-style: chr9-101589076-C-G.
Other names: short protein forms P195R.
Identifiers: ClinVar variation 1750063 (VCV001750063.2), dbSNP rs567989954, ClinGen allele CA374217401.